The following is an entry in ClinVar:

ClinVar aggregate classification (germline): Uncertain significance. Review status: criteria provided, multiple submitters, no conflicts (2 of 4 stars). 2 submissions from 2 submitters: Uncertain significance (2). Last evaluated 2025-12-22.

Conditions:
TALDO1-related disorder. Also called: TALDO1-related condition.

Allele frequency attached by ClinVar (database versions not stated): TOPMed 0.00001; ExAC 0.00002.

Submissions (2):

PreventionGenetics, part of Exact Sciences
Classification: Uncertain significance for TALDO1-related condition. Last evaluated: 2025-12-22. Review status: criteria provided, single submitter. Criteria: ACMG Guidelines, 2015. Collection method: clinical testing. Allele origin: germline.
Comment: The TALDO1 c.98C>T variant is predicted to result in the amino acid substitution p.Ala33Val. To our knowledge, this variant has not been reported in the literature. This variant is reported in 0.0053% of alleles in individuals of European (Non-Finnish) descent in gnomAD. At this time, the clinical significance of this variant is uncertain due to the absence of conclusive functional and genetic evidence.

Labcorp Genetics (formerly Invitae), Labcorp
Classification: Uncertain significance. Last evaluated: 2022-02-19. Review status: criteria provided, single submitter. Criteria: Invitae Variant Classification Sherloc (09022015). Collection method: clinical testing. Allele origin: germline.
Comment: Algorithms developed to predict the effect of missense changes on protein structure and function are either unavailable or do not agree on the potential impact of this missense change (SIFT: "Deleterious"; PolyPhen-2: "Benign"; Align-GVGD: "Class C0"). In summary, the available evidence is currently insufficient to determine the role of this variant in disease. Therefore, it has been classified as a Variant of Uncertain Significance. This variant has not been reported in the literature in individuals affected with TALDO1-related conditions. This variant is present in population databases (rs776579650, gnomAD 0.005%). This sequence change replaces alanine, which is neutral and non-polar, with valine, which is neutral and non-polar, at codon 33 of the TALDO1 protein (p.Ala33Val).

NM_006755.2(TALDO1):c.98C>T (p.Ala33Val)

Gene: TALDO1 (transaldolase 1; plus strand). Cytogenetic location: 11p15.5.
Variant type: single nucleotide variant.
Coding change: c.98C>T on transcript NM_006755.2 (MANE Select); coding-DNA position 98, C replaced by T.
Protein change: p.Ala33Val; replaces alanine 33 with valine.
Molecular consequence: missense variant.
Genome position (GRCh38, 1-based): chr11:755,879, C>T. VCF-style: chr11-755879-C-T. GRCh37 (hg19) VCF-style: chr11-755879-C-T.
Other names: c.98C>T (NM_006755.1); short protein forms A33V.
Identifiers: ClinVar variation 2086769 (VCV002086769.5), dbSNP rs776579650, ClinGen allele CA5788014.